The following is an entry in ClinVar:

NM_003119.4(SPG7):c.596del (p.Gly199fs)

Gene: SPG7 (SPG7 matrix AAA peptidase subunit, paraplegin; plus strand). Cytogenetic location: 16q24.3.
Variant type: Deletion.
Coding change: c.596del on transcript NM_003119.4 (MANE Select); coding-DNA position 596, one base deleted (G; older notation c.596delG).
Protein change: p.Gly199fs; shifts the reading frame from glycine 199.
Molecular consequence: frameshift variant.
Genome position (GRCh38, 1-based): chr16:89,524,225, G deleted; the last of 2 consecutive G bases (chr16:89,524,224-89,524,225); deleting either gives the same sequence. VCF-style (leftmost placement, unchanged base first): chr16-89524223-TG-T. GRCh37 (hg19) VCF-style: chr16-89590631-TG-T.
Other names: c.596del, p.Gly199fs (NM_001363850.1, NM_199367.3); short protein forms G199fs.
Identifiers: ClinVar variation 958161 (VCV000958161.6), dbSNP rs752843742, ClinGen allele CA8243679.
Genomic context (GRCh38, chr16:89,524,223, plus strand): 5'-CGAGGTGCAGCGCGTCCAGGTGGTGCCTGAGAGCGACGTGGTGGAAGTCTACCTGCACCC[TG>T]GAGCCGTGGTGTTTGGGCGGCCTGTGAGTGAGGGTGCGGGAGGCCTGTGAGTGAGGGTGT-3'

ClinVar aggregate classification (germline): Pathogenic (1 of 4 stars; one submission).

Conditions:
Hereditary spastic paraplegia 7 (SPG7). Also called: Spastic paraplegia 7; Hereditary spastic paraplegia Paraplegin type; SPASTIC PARAPLEGIA 7, AUTOSOMAL RECESSIVE, WITH OR WITHOUT CEREBELLAR ATAXIA; SPG7-related neurologic disorder; Autosomal recessive spastic paraplegia type 7. Identifiers: Orphanet 99013, MedGen C1846564, MONDO:0011803, OMIM 607259.

Submission:

Labcorp Genetics (formerly Invitae), Labcorp
Classification: Pathogenic for Hereditary spastic paraplegia 7. Last evaluated: 2023-09-30. Review status: criteria provided, single submitter. Criteria: Invitae Variant Classification Sherloc (09022015). Collection method: clinical testing. Allele origin: germline.
Comment: For these reasons, this variant has been classified as Pathogenic. Algorithms developed to predict the effect of sequence changes on RNA splicing suggest that this variant may create or strengthen a splice site. ClinVar contains an entry for this variant (Variation ID: 958161). This variant has not been reported in the literature in individuals affected with SPG7-related conditions. This variant is present in population databases (rs752843742, gnomAD 0.01%). This sequence change creates a premature translational stop signal (p.Gly199Glufs*10) in the SPG7 gene. It is expected to result in an absent or disrupted protein product. Loss-of-function variants in SPG7 are known to be pathogenic (PMID: 21623769, 22964162).

Literature cited by the submitters: PubMed 21623769; PubMed 22964162.